The following is an entry in ClinVar:

ClinVar aggregate classification (germline): Uncertain significance (1 of 4 stars; one submission).

Conditions:
Hereditary cancer-predisposing syndrome. Also called: Neoplastic Syndromes, Hereditary; Tumor predisposition; Hereditary Cancer Syndrome; Hereditary neoplastic syndrome. Identifiers: Orphanet 140162, MedGen C0027672, MeSH D009386, MONDO:0015356.

Submission:

Color Diagnostics, LLC DBA Color Health
Classification: Uncertain significance for Hereditary cancer-predisposing syndrome. Last evaluated: 2023-12-04. Review status: criteria provided, single submitter. Criteria: ACMG Guidelines, 2015. Collection method: clinical testing. Allele origin: germline.
Comment: This missense variant replaces threonine with isoleucine at codon 1901 of the APC protein. Computational prediction suggests that this variant may not impact protein structure and function (internally defined REVEL score threshold <= 0.5, PMID: 27666373). To our knowledge, functional studies have not been reported for this variant. This variant has not been reported in individuals affected with APC-related disorders in the literature. This variant has not been identified in the general population by the Genome Aggregation Database (gnomAD). The available evidence is insufficient to determine the role of this variant in disease conclusively. Therefore, this variant is classified as a Variant of Uncertain Significance.

NM_000038.6(APC):c.5702C>T (p.Thr1901Ile)

Gene: APC (APC regulator of Wnt signaling pathway; plus strand). Cytogenetic location: 5q22.2.
Variant type: single nucleotide variant.
Coding change: c.5702C>T on transcript NM_000038.6 (MANE Select); coding-DNA position 5702, C replaced by T.
Protein change: p.Thr1901Ile; replaces threonine 1901 with isoleucine.
Molecular consequence: missense variant.
Genome position (GRCh38, 1-based): chr5:112,841,296, C>T. VCF-style: chr5-112841296-C-T. GRCh37 (hg19) VCF-style: chr5-112176993-C-T.
Other names: c.5702C>T, p.Thr1901Ile (NM_001127510.3, NM_001354895.2); c.5648C>T, p.Thr1883Ile (NM_001127511.3); c.5756C>T, p.Thr1919Ile (NM_001354896.2); c.5732C>T, p.Thr1911Ile (NM_001354897.2); c.5627C>T, p.Thr1876Ile (NM_001354898.2); c.5618C>T, p.Thr1873Ile (NM_001354899.2); c.5579C>T, p.Thr1860Ile (NM_001354900.2); c.5525C>T, p.Thr1842Ile (NM_001354901.2); and 5 more; short protein forms T1741I, T1800I, T1810I, T1842I, T1919I, T1873I, T1883I, T1775I.
Identifiers: ClinVar variation 918359 (VCV000918359.4), dbSNP rs72541814, ClinGen allele CA16033815.
Genomic context (GRCh38, chr5:112,841,296, plus strand): 5'-TAAGAAAGGCAAAAGAAAATAAGGAATCAGAGGCTAAAGTTACCAGCCACACAGAACTAA[C>T]CTCCAACCAACAATCAGCTAATAAGACACAAGCTATTGCAAAGCAGCCAATAAATCGAGG-3'
Protein context (NP_000029.2, residues 1891-1911): EAKVTSHTEL[Thr1901Ile]SNQQSANKTQ